The following is an entry in ClinVar:

NM_006383.4(CIB2):c.503A>T (p.Asp168Val)

Gene: CIB2 (calcium and integrin binding family member 2; minus strand). Cytogenetic location: 15q25.1.
Variant type: single nucleotide variant.
Coding change: c.503A>T on transcript NM_006383.4 (MANE Select); coding-DNA position 503, A replaced by T.
Protein change: p.Asp168Val; replaces aspartic acid 168 with valine.
Molecular consequence: missense variant. On other transcripts: non-coding transcript variant (1).
Genome position (GRCh38, 1-based): chr15:78,105,778, T>A on the plus strand (A>T on the coding strand, the complement: CIB2 is on the minus strand). VCF-style: chr15-78105778-T-A. GRCh37 (hg19) VCF-style: chr15-78398120-T-A.
Other names: c.374A>T, p.Asp125Val (NM_001271888.2); c.356A>T, p.Asp119Val (NM_001271889.2); c.518A>T, p.Asp173Val (NM_001301224.2); short protein forms D119V, D125V, D168V, D173V.
Identifiers: ClinVar variation 1019812 (VCV001019812.8), dbSNP rs2074059603, ClinGen allele CA393545390.

ClinVar aggregate classification (germline): Uncertain significance (1 of 4 stars; one submission).

Submission:

Labcorp Genetics (formerly Invitae), Labcorp
Classification: Uncertain significance. Last evaluated: 2021-07-08. Review status: criteria provided, single submitter. Criteria: Invitae Variant Classification Sherloc (09022015). Collection method: clinical testing. Allele origin: germline.
Comment: This sequence change replaces aspartic acid with valine at codon 168 of the CIB2 protein (p.Asp168Val). The aspartic acid residue is highly conserved and there is a large physicochemical difference between aspartic acid and valine. In summary, the available evidence is currently insufficient to determine the role of this variant in disease. Therefore, it has been classified as a Variant of Uncertain Significance. Algorithms developed to predict the effect of missense changes on protein structure and function (SIFT, PolyPhen-2, Align-GVGD) all suggest that this variant is likely to be disruptive, but these predictions have not been confirmed by published functional studies and their clinical significance is uncertain. This variant has not been reported in the literature in individuals with CIB2-related conditions. This variant is not present in population databases (ExAC no frequency).